The following is an entry in ClinVar:

ClinVar aggregate classification (germline): Uncertain significance. Review status: reviewed by expert panel (3 of 4 stars). 5 submissions from 5 submitters: Uncertain significance (1). 4 of the submissions do not count toward it. Last evaluated 2023-07-23.

Conditions:
Phenylketonuria (PKU). Also called: Phenylketonuria (PKU); FOLLING DISEASE; OLIGOPHRENIA PHENYLPYRUVICA; Phenylketonurias. Identifiers: Orphanet 716, MedGen C0031485, MONDO:0009861, OMIM 261600. Disease mechanism: loss of function.

Allele frequency attached by ClinVar (database versions not stated): gnomAD exomes 0.00006 and 0.00013; 1000 Genomes Project 30x 0.00047; gnomAD 0.00009 and 0.00002; ExAC 0.00019; TOPMed 0.00011; 1000 Genomes Project 0.00060.

Submissions (5):

ClinGen PAH Variant Curation Expert Panel
Classification: Uncertain significance for Phenylketonuria. Last evaluated: 2023-07-23. Review status: reviewed by expert panel. Criteria: ClinGen PAH ACMG Specifications v1. Collection method: curation. Allele origin: germline. Inheritance: Autosomal recessive inheritance.
Comment: This variant has been detected in one individual with PAH deficiency (PMID: 36104584). This individual was a compound heterozygote for the variant and a pathogenic variant, p.Arg408Gln, in trans (phase confirmed by parental testing) (PMID: 36104584). This individual had plasma phenylalanine >120 μmol/L with the exclusion of a defect of BH4 cofactor metabolism (PP4_Moderate) (PMID: 36104584). The highest population minor allele frequency in gnomAD v2.1.1 is 0.001 (20/19766 alleles) in the East Asian population (none of the population data codes are met). The computational splicing predictor SpliceAI gives a score of 0.05 for donor loss suggesting that the variant has no impact on splicing (BP4). There is a ClinVar entry for this variant (Variation ID: 102503, 1 star review status) with one submitter classifying the variant as a variant of uncertain significance, one submitter classifying the variant as likely benign, and one submitter classifying the variant as benign. Due to conflicting evidence, this variant is classified as a variant of unknown significance for PAH deficiency based on the ACMG/AMP criteria applied, as specified by the ClinGen PAH Variant Curation Expert Panel (Specifications Version 2.0): PM3, PP4, BP4.

Labcorp Genetics (formerly Invitae), Labcorp
Classification: Benign for Phenylketonuria. Last evaluated: 2023-09-08. Review status: criteria provided, single submitter. Criteria: Invitae Variant Classification Sherloc (09022015). Collection method: clinical testing. Allele origin: germline. Not counted in ClinVar's aggregate classification.

Genome-Nilou Lab
Classification: Likely benign for Phenylketonuria. Last evaluated: 2021-07-22. Review status: criteria provided, single submitter. Criteria: ACMG Guidelines, 2015. Collection method: clinical testing. Allele origin: germline. Affected: no. Not counted in ClinVar's aggregate classification.

Counsyl
Classification: Uncertain significance for Phenylketonuria. Last evaluated: 2016-12-28. Review status: no assertion criteria provided. Collection method: clinical testing. Allele origin: unknown. Not counted in ClinVar's aggregate classification.

DeBelle Laboratory for Biochemical Genetics, MUHC/MCH RESEARCH INSTITUTE
No classification provided. Review status: no classification provided. Collection method: not provided. Allele origin: not provided. Not counted in ClinVar's aggregate classification.

NM_000277.3(PAH):c.1065+39G>T

Gene: PAH (phenylalanine hydroxylase; minus strand). Cytogenetic location: 12q23.2.
Variant type: single nucleotide variant.
Coding change: c.1065+39G>T on transcript NM_000277.3 (MANE Select); 39 bases into the intron after coding-DNA position 1065, G replaced by T.
Molecular consequence: intron variant.
Genome position (GRCh38, 1-based): chr12:102,844,297, C>A on the plus strand (G>T on the coding strand, the complement: PAH is on the minus strand). VCF-style: chr12-102844297-C-A. GRCh37 (hg19) VCF-style: chr12-103238075-C-A.
Other names: c.1065+39G>T (NM_001354304.2).
Identifiers: ClinVar variation 102503 (VCV000102503.15), dbSNP rs62510582, ClinGen allele CA229317.
Genomic context (GRCh38, chr12:102,844,297, plus strand): 5'-AACGGATACAAATAGGGTTTCAACAATATTGAAAGCACAATAATGGTTTTCTGTACCCAC[C>A]ACTTTTAAATCTATCCTTGGTTCCTGTGAAGGTCATACCTGTAATTCACCAAAGGATGAC-3'